The following is an entry in ClinVar:

NM_016373.4(WWOX):c.605+5G>A

Gene: WWOX (WW domain containing oxidoreductase; plus strand). Cytogenetic location: 16q23.1.
Variant type: single nucleotide variant.
Coding change: c.605+5G>A on transcript NM_016373.4 (MANE Select); 5 bases into the intron after coding-DNA position 605, G replaced by A.
Molecular consequence: intron variant.
Genome position (GRCh38, 1-based): chr16:78,386,953, G>A. VCF-style: chr16-78386953-G-A. GRCh37 (hg19) VCF-style: chr16-78420850-G-A.
Other names: c.266+5G>A (NM_001291997.2).
Identifiers: ClinVar variation 450592 (VCV000450592.15), dbSNP rs1039151413, ClinGen allele CA623626138.

ClinVar aggregate classification (germline): Conflicting classifications of pathogenicity. Review status: criteria provided, conflicting classifications (1 of 4 stars). 7 submissions from 6 submitters: Pathogenic (1); Likely pathogenic (4); Uncertain significance (1). 1 of the submissions does not count toward it. Last evaluated 2025-12-17.

Conditions:
Autosomal recessive spinocerebellar ataxia 12. Also called: SPINOCEREBELLAR ATAXIA WITH MENTAL RETARDATION AND EPILEPSY. Identifiers: Orphanet 284282, MedGen C3280452, MONDO:0013687, OMIM 614322.
Developmental and epileptic encephalopathy, 28 (DEE28). Also called: Epileptic encephalopathy, early infantile, 28. Identifiers: Orphanet 442835, MedGen C4015519, MONDO:0014533, OMIM 616211.
WWOX-related disorder. Also called: WWOX-related condition.
Developmental and epileptic encephalopathy, 1 (DEE1). Also called: X-linked infantile spasms; West's syndrome; Tonic spasms with clustering, arrest of psychomotor development and hypsarrhythmia on EEG; X-Linked Infantile Spasm Syndrome; OHTAHARA SYNDROME, X-LINKED; INFANTILE SPASM SYNDROME, X-LINKED 1. Identifiers: MedGen C3463992, MONDO:0010632, OMIM 308350. Disease mechanism: loss of function.

Allele frequency attached by ClinVar (database versions not stated): gnomAD exomes 0.00001.
gnomAD v4.1: 4 of 1,613,148 alleles (0.00025%); highest among the groups gnomAD compares: Admixed American, 0.0067%; no homozygotes.

Submissions (7):

PreventionGenetics, part of Exact Sciences
Classification: Likely pathogenic for WWOX-related condition. Last evaluated: 2025-12-17. Review status: criteria provided, single submitter. Criteria: ACMG Guidelines, 2015. Collection method: clinical testing. Allele origin: germline.
Comment: The WWOX c.605+5G>A variant is predicted to interfere with splicing. This variant has been reported in the compound heterozygous state in individuals with epileptic encephalopathy (Chong et al. 2023. PubMed ID: 36537114; Wang et al. 2024. PubMed ID: 39039877; Gao et al. 2025. PubMed ID: 40875931). This variant is reported in 0.0087% of alleles in individuals of Latino descent in gnomAD. This variant is interpreted as likely pathogenic.

Labcorp Genetics (formerly Invitae), Labcorp
Classification: Pathogenic for Developmental and epileptic encephalopathy, 1; Autosomal recessive spinocerebellar ataxia 12. Last evaluated: 2025-02-15. Review status: criteria provided, single submitter. Criteria: Invitae Variant Classification Sherloc (09022015). Collection method: clinical testing. Allele origin: germline.
Comment: This sequence change falls in intron 6 of the WWOX gene. It does not directly change the encoded amino acid sequence of the WWOX protein. It affects a nucleotide within the consensus splice site. This variant is present in population databases (no rsID available, gnomAD 0.009%). This variant has been observed in individual(s) with clinical features of WWOX-related conditions (PMID: 36537114; internal data). In at least one individual the data is consistent with being in trans (on the opposite chromosome) from a pathogenic variant. ClinVar contains an entry for this variant (Variation ID: 450592). Variants that disrupt the consensus splice site are a relatively common cause of aberrant splicing (PMID: 17576681, 9536098). Algorithms developed to predict the effect of sequence changes on RNA splicing suggest that this variant may disrupt the consensus splice site. For these reasons, this variant has been classified as Pathogenic.

Dasa
Classification: Uncertain significance. Last evaluated: 2025-02-08. Review status: criteria provided, single submitter. Criteria: DASA Assertion Criteria. Collection method: clinical testing. Allele origin: germline.
Comment: NM_016373.4(WWOX):c.605+5G>A is a splice-region variant predicted to affect normal RNA splicing. This variant is rare in population databases. Computational prediction algorithms are consistent with a deleterious effect. The currently available literature and clinical evidence are not sufficient to establish a definitive association between this variant and the reported condition. Therefore, this variant is classified as a variant of uncertain significance.

Kids Research, The Children's Hospital at Westmead
Classification: Likely pathogenic for Developmental and epileptic encephalopathy, 28. Last evaluated: 2024-09-20. Review status: criteria provided, single submitter. Criteria: ACMG Guidelines, 2015. Collection method: research. Allele origin: germline. Affected: yes.
Comment: PM2, PP3_Moderate, PM3

GeneDx
Classification: Likely pathogenic. Last evaluated: 2017-07-10. Review status: criteria provided, single submitter. Criteria: GeneDx Variant Classification (06012015). Collection method: clinical testing. Allele origin: germline. Affected: yes.
Comment: The c.605+5 G>A variant has not been published as a pathogenic variant, nor has it been reported as a benign variant to our knowledge. The c.605+5 G>A variant is not observed in large population cohorts (Lek et al., 2016; 1000 Genomes Consortium et al., 2015; Exome Variant Server). Several in-silico splice prediction models predict that c.605+5 G>A destroys the natural donor site of intron 6 which may lead to abnormal gene splicing. However, in the absence of RNA/functional studies, the actual effect of this sequence change in this individual is unknown. Therefore, this variant is likely pathogenic; however, the possibility that it is benign cannot be excluded.

Baylor Genetics
Classification: Likely pathogenic for Developmental and epileptic encephalopathy, 28. Review status: criteria provided, single submitter. Criteria: ACMG Guidelines, 2015. Collection method: clinical testing. Allele origin: unknown.

Baylor Genetics
Classification: Uncertain significance for Developmental and epileptic encephalopathy, 28; Autosomal recessive spinocerebellar ataxia 12. Last evaluated: 2017-12-31. Review status: flagged submission. Criteria: ACMG Guidelines, 2015. Collection method: clinical testing. Allele origin: germline. Affected: yes. Not counted in ClinVar's aggregate classification.
ClinVar note: Reason: New submission from submitter that appears to have been intended to update this older submission

Literature cited by the submitters: PubMed 36537114 (cited by Labcorp Genetics (formerly Invitae), Labcorp); PubMed 17576681 (cited by Labcorp Genetics (formerly Invitae), Labcorp); PubMed 9536098 (cited by Labcorp Genetics (formerly Invitae), Labcorp).